The following is an entry in ClinVar:

ClinVar aggregate classification (germline): Benign (1 of 4 stars; one submission).

gnomAD v4.1: 624 of 398,464 alleles (0.16%); highest among the groups gnomAD compares: African/African-American, 1.2%; 4 homozygotes.

Submission:

CeGaT Center for Human Genetics Tuebingen
Classification: Benign. Last evaluated: 2026-06-01. Review status: criteria provided, single submitter. Criteria: CeGaT Center For Human Genetics Tuebingen Variant Classification Criteria Version 2. Collection method: clinical testing. Allele origin: germline. Affected: yes. Observed: 1 variant allele.
Comment: KCNQ1OT1: BS1, BS2

NM_000218.3(KCNQ1):c.1514+8267T>A

Genes: KCNQ1 (potassium voltage-gated channel subfamily Q member 1; plus strand), KCNQ1OT1 (KCNQ1 opposite strand/antisense transcript 1; minus strand). Cytogenetic location: 11p15.5.
Variant type: single nucleotide variant.
Coding change: c.1514+8267T>A on transcript NM_000218.3 (MANE Select); 8267 bases into the intron after coding-DNA position 1514, T replaced by A.
Molecular consequence: intron variant. On other transcripts: non-coding transcript variant (1).
Genome position (GRCh38, 1-based): chr11:2,670,348, T>A. VCF-style: chr11-2670348-T-A. GRCh37 (hg19) VCF-style: chr11-2691578-T-A.
Other names: c.1244+8267T>A (NM_001406837.1); c.1418+8267T>A (NM_001406836.1); c.974+8267T>A (NM_001406838.1); c.1133+8267T>A (NM_181798.2).
Identifiers: ClinVar variation 4874097 (VCV004874097.2).